The following is an entry in ClinVar:

NM_001164508.2(NEB):c.12330T>C (p.Asp4110=)

Gene: NEB (nebulin; minus strand). Cytogenetic location: 2q23.3.
Variant type: single nucleotide variant.
Coding change: c.12330T>C on transcript NM_001164508.2 (MANE Select); coding-DNA position 12330, T replaced by C.
Protein change: p.Asp4110=; no amino-acid change (aspartic acid 4110 retained).
Molecular consequence: synonymous variant.
Genome position (GRCh38, 1-based): chr2:151,609,809, A>G on the plus strand (T>C on the coding strand, the complement: NEB is on the minus strand). VCF-style: chr2-151609809-A-G. GRCh37 (hg19) VCF-style: chr2-152466323-A-G.
Other names: c.12330T>C, p.Asp4110= (NM_001164507.2, NM_001271208.2); c.11601T>C, p.Asp3867= (NM_004543.5).
Identifiers: ClinVar variation 680116 (VCV000680116.2), dbSNP rs981354598, ClinGen allele CA57632513.
Genomic context (GRCh38, chr2:151,609,809, plus strand): 5'-TGGGCAATGAACAAATCTACATCTTCCCCTTCCCCCTTTCCCAAAATTCATGTTACGTAC[A>G]TCACTCTGCAGGTCATAGGCCTTTTTTGCTTGGATAATGTCGTTTTGATCCGGCATGCAT-3'
Protein context (NP_001157980.2, residues 4100-4120): QAKKAYDLQS[Asp4110=]SVYKADLEWL

ClinVar aggregate classification (germline): Likely benign. Review status: criteria provided, multiple submitters, no conflicts (2 of 4 stars). 2 submissions from 2 submitters: Likely benign (2). Last evaluated 2021-08-15.

Allele frequency attached by ClinVar (database versions not stated): gnomAD 0.00001; gnomAD exomes 0.00001.
gnomAD v4.1: 16 of 1,570,920 alleles (0.001%); highest among the groups gnomAD compares: Middle Eastern, 0.069%; no homozygotes.

Submissions (2):

Blueprint Genetics
Classification: Likely benign. Last evaluated: 2021-08-15. Review status: criteria provided, single submitter. Criteria: ACMG Guidelines, 2015. Collection method: clinical testing. Allele origin: germline.

GeneDx
Classification: Likely benign. Last evaluated: 2018-03-12. Review status: criteria provided, single submitter. Criteria: GeneDx Variant Classification (06012015). Collection method: clinical testing. Allele origin: germline. Affected: yes.
Comment: This variant is considered likely benign or benign based on one or more of the following criteria: it is a conservative change, it occurs at a poorly conserved position in the protein, it is predicted to be benign by multiple in silico algorithms, and/or has population frequency not consistent with disease.